The following is an entry in ClinVar:

ClinVar aggregate classification (germline): Uncertain significance. Review status: criteria provided, multiple submitters, no conflicts (2 of 4 stars). 3 submissions from 3 submitters: Uncertain significance (3). Last evaluated 2023-09-30.

Conditions:
Neurofibromatosis, type 1 (NF1). Also called: Neurofibromatosis, type I; VON RECKLINGHAUSEN DISEASE; NEUROFIBROMATOSIS, TYPE I, SOMATIC; Peripheral type neurofibromatosis. Identifiers: Orphanet 636, MedGen C0027831, MONDO:0018975, OMIM 162200. Disease mechanism: loss of function.
Hereditary cancer-predisposing syndrome. Also called: Neoplastic Syndromes, Hereditary; Hereditary neoplastic syndrome; Hereditary Cancer Syndrome; Tumor predisposition. Identifiers: Orphanet 140162, MedGen C0027672, MeSH D009386, MONDO:0015356.
Cardiovascular phenotype. Identifiers: MedGen CN230736.

Submissions (3):

Labcorp Genetics (formerly Invitae), Labcorp
Classification: Uncertain significance for Neurofibromatosis, type 1. Last evaluated: 2023-09-30. Review status: criteria provided, single submitter. Criteria: Invitae Variant Classification Sherloc (09022015). Collection method: clinical testing. Allele origin: germline.
Comment: In summary, the available evidence is currently insufficient to determine the role of this variant in disease. Therefore, it has been classified as a Variant of Uncertain Significance. Advanced modeling of protein sequence and biophysical properties (such as structural, functional, and spatial information, amino acid conservation, physicochemical variation, residue mobility, and thermodynamic stability) performed at Invitae indicates that this missense variant is expected to disrupt NF1 protein function. ClinVar contains an entry for this variant (Variation ID: 996529). This variant has not been reported in the literature in individuals affected with NF1-related conditions. This variant is not present in population databases (gnomAD no frequency). This sequence change replaces alanine, which is neutral and non-polar, with proline, which is neutral and non-polar, at codon 1740 of the NF1 protein (p.Ala1740Pro).

Ambry Genetics
Classification: Uncertain significance for Cardiovascular phenotype; Hereditary cancer-predisposing syndrome. Last evaluated: 2022-09-09. Review status: criteria provided, single submitter. Criteria: Ambry Variant Classification Scheme 2023. Collection method: clinical testing. Allele origin: germline.
Comment: The p.A1740P variant (also known as c.5218G>C), located in coding exon 37 of the NF1 gene, results from a G to C substitution at nucleotide position 5218. The alanine at codon 1740 is replaced by proline, an amino acid with highly similar properties. This amino acid position is highly conserved in available vertebrate species. In addition, this alteration is predicted to be deleterious by in silico analysis. Since supporting evidence is limited at this time, the clinical significance of this alteration remains unclear.

Genome Diagnostics Laboratory, The Hospital for Sick Children
Classification: Uncertain significance for Neurofibromatosis, type 1. Last evaluated: 2020-10-26. Review status: criteria provided, single submitter. Criteria: ACMG Guidelines, 2015. Collection method: clinical testing. Allele origin: germline. Affected: yes.

NM_001042492.3(NF1):c.5281G>C (p.Ala1761Pro)

Gene: NF1 (neurofibromin 1; plus strand). Cytogenetic location: 17q11.2.
Variant type: single nucleotide variant.
Coding change: c.5281G>C on transcript NM_001042492.3 (MANE Select); coding-DNA position 5281, G replaced by C.
Protein change: p.Ala1761Pro; replaces alanine 1761 with proline.
Molecular consequence: missense variant.
Genome position (GRCh38, 1-based): chr17:31,327,511, G>C. VCF-style: chr17-31327511-G-C. GRCh37 (hg19) VCF-style: chr17-29654529-G-C.
Other names: c.5218G>C, p.Ala1740Pro (NM_000267.4); short protein forms A1740P, A1761P.
Identifiers: ClinVar variation 996529 (VCV000996529.8), dbSNP rs2069375243, ClinGen allele CA399008919.